The following is an entry in ClinVar:

ClinVar aggregate classification (germline): Pathogenic (1 of 4 stars; one submission).

Conditions:
Bloom syndrome (BLM). Also called: Bloom-Torre-Machacek syndrome. Identifiers: Orphanet 125, MedGen C0005859, MONDO:0008876, OMIM 210900.

Allele frequency attached by ClinVar (database versions not stated): gnomAD exomes below 0.00001 and 0.00001; ExAC 0.00001.

Submission:

Labcorp Genetics (formerly Invitae), Labcorp
Classification: Pathogenic for Bloom syndrome. Last evaluated: 2022-01-11. Review status: criteria provided, single submitter. Criteria: Invitae Variant Classification Sherloc (09022015). Collection method: clinical testing. Allele origin: germline.
Comment: This sequence change creates a premature translational stop signal (p.Tyr699*) in the BLM gene. It is expected to result in an absent or disrupted protein product. Loss-of-function variants in BLM are known to be pathogenic (PMID: 17407155). For these reasons, this variant has been classified as Pathogenic. This variant has not been reported in the literature in individuals affected with BLM-related conditions. This variant is present in population databases (rs753973474, gnomAD 0.0009%).

Literature cited by the submitters: PubMed 17407155.

NM_000057.4(BLM):c.2093_2096dup (p.Tyr699Ter)

Gene: BLM (BLM RecQ like helicase; plus strand). Cytogenetic location: 15q26.1.
Variant type: Duplication.
Coding change: c.2093_2096dup on transcript NM_000057.4 (MANE Select); coding-DNA positions 2093 to 2096, 4 bases duplicated (GTTA; older notation c.2093_2096dupGTTA).
Protein change: p.Tyr699Ter; replaces tyrosine 699 with a stop codon.
Molecular consequence: nonsense.
Genome position (GRCh38, 1-based): chr15:90,765,314-90,765,317, GTTA duplicated. VCF-style (leftmost placement, unchanged base first): chr15-90765313-T-TGTTA. GRCh37 (hg19) VCF-style: chr15-91308543-T-TGTTA.
Other names: c.968_971dup, p.Tyr324Ter (NM_001287248.2); c.2093_2096dup, p.Tyr699Ter (NM_001287246.2, NM_001287247.2); short protein forms Y699*, Y324*.
Identifiers: ClinVar variation 1377631 (VCV001377631.8), dbSNP rs753973474, ClinGen allele CA7738661.